The following is an entry in ClinVar:

ClinVar aggregate classification (germline): Uncertain significance. Review status: criteria provided, multiple submitters, no conflicts (2 of 4 stars). 2 submissions from 2 submitters: Uncertain significance (2). Last evaluated 2025-10-20.

Conditions:
Hereditary cancer-predisposing syndrome. Also called: Neoplastic Syndromes, Hereditary; Tumor predisposition; Hereditary Cancer Syndrome; Hereditary neoplastic syndrome. Identifiers: Orphanet 140162, MedGen C0027672, MeSH D009386, MONDO:0015356.
Haddad syndrome (OHD). Also called: Ondine-Hirschsprung disease. Identifiers: Orphanet 99803, MedGen C1859049, MONDO:0020493.

Allele frequency attached by ClinVar (database versions not stated): gnomAD exomes below 0.00001; gnomAD 0.00001; 1000 Genomes Project 30x 0.00016; 1000 Genomes Project 0.00020.

Submissions (2):

Labcorp Genetics (formerly Invitae), Labcorp
Classification: Uncertain significance for Haddad syndrome. Last evaluated: 2025-10-20. Review status: criteria provided, single submitter. Criteria: Invitae Variant Classification Sherloc (09022015). Collection method: clinical testing. Allele origin: germline.
Comment: This sequence change replaces alanine, which is neutral and non-polar, with serine, which is neutral and polar, at codon 80 of the PHOX2B protein (p.Ala80Ser). This variant is not present in population databases (gnomAD no frequency). This variant has not been reported in the literature in individuals affected with PHOX2B-related conditions. ClinVar contains an entry for this variant (Variation ID: 639360). Invitae Evidence Modeling of protein sequence and biophysical properties (such as structural, functional, and spatial information, amino acid conservation, physicochemical variation, residue mobility, and thermodynamic stability) indicates that this missense variant is not expected to disrupt PHOX2B protein function with a negative predictive value of 80%. In summary, the available evidence is currently insufficient to determine the role of this variant in disease. Therefore, it has been classified as a Variant of Uncertain Significance.

Ambry Genetics
Classification: Uncertain significance for Hereditary cancer-predisposing syndrome. Last evaluated: 2024-01-30. Review status: criteria provided, single submitter. Criteria: Ambry Variant Classification Scheme 2023. Collection method: clinical testing. Allele origin: germline.
Comment: The p.A80S variant (also known as c.238G>T), located in coding exon 1 of the PHOX2B gene, results from a G to T substitution at nucleotide position 238. The alanine at codon 80 is replaced by serine, an amino acid with similar properties. This amino acid position is conserved. In addition, the in silico prediction for this alteration is inconclusive. Based on the available evidence, the clinical significance of this alteration remains unclear.

NM_003924.4(PHOX2B):c.238G>T (p.Ala80Ser)

Genes: PHOX2B (paired like homeobox 2B; minus strand), PHOX2B-AS1 (PHOX2B antisense RNA 1; plus strand). Cytogenetic location: 4p13.
Variant type: single nucleotide variant.
Coding change: c.238G>T on transcript NM_003924.4 (MANE Select); coding-DNA position 238, G replaced by T.
Protein change: p.Ala80Ser; replaces alanine 80 with serine.
Molecular consequence: missense variant.
Genome position (GRCh38, 1-based): chr4:41,748,373, C>A on the plus strand (G>T on the coding strand, the complement: PHOX2B is on the minus strand). VCF-style: chr4-41748373-C-A. GRCh37 (hg19) VCF-style: chr4-41750390-C-A.
Other names: short protein forms A80S.
Identifiers: ClinVar variation 639360 (VCV000639360.11), dbSNP rs550472167, ClinGen allele CA95829653.